The following is an entry in ClinVar:

ClinVar aggregate classification (germline): Uncertain significance (1 of 4 stars; one submission).

Conditions:
Hereditary cancer-predisposing syndrome. Also called: Neoplastic Syndromes, Hereditary; Tumor predisposition; Hereditary Cancer Syndrome; Hereditary neoplastic syndrome. Identifiers: Orphanet 140162, MedGen C0027672, MeSH D009386, MONDO:0015356.

Submission:

Ambry Genetics
Classification: Uncertain significance for Hereditary cancer-predisposing syndrome. Last evaluated: 2022-09-15. Review status: criteria provided, single submitter. Criteria: Ambry Variant Classification Scheme 2023. Collection method: clinical testing. Allele origin: germline.
Comment: The p.Q115L variant (also known as c.344A>T), located in coding exon 4 of the RAD51D gene, results from an A to T substitution at nucleotide position 344. The glutamine at codon 115 is replaced by leucine, an amino acid with dissimilar properties. In addition, this alteration is predicted to be deleterious by in silico analysis. In silico splice site analysis predicts that this alteration will weaken the native splice donor site; however, direct evidence is insufficient at this time (Ambry internal data). Since supporting evidence is limited at this time, the clinical significance of this alteration remains unclear.

NM_002878.4(RAD51D):c.344A>T (p.Gln115Leu)

Genes: RAD51D (RAD51 paralog D; minus strand), RAD51L3-RFFL (RAD51L3-RFFL readthrough; minus strand). Cytogenetic location: 17q12.
Variant type: single nucleotide variant.
Coding change: c.344A>T on transcript NM_002878.4 (MANE Select); coding-DNA position 344, A replaced by T.
Protein change: p.Gln115Leu; replaces glutamine 115 with leucine.
Molecular consequence: missense variant. On other transcripts: non-coding transcript variant (2), intron variant (1).
Genome position (GRCh38, 1-based): chr17:35,107,367, T>A on the plus strand (A>T on the coding strand, the complement: RAD51D is on the minus strand). VCF-style: chr17-35107367-T-A. GRCh37 (hg19) VCF-style: chr17-33434386-T-A.
Other names: c.404A>T, p.Gln135Leu (NM_001142571.2); c.145-886A>T (NM_133629.3); short protein forms Q115L, Q135L.
Identifiers: ClinVar variation 1731537 (VCV001731537.2), dbSNP rs2091619885, ClinGen allele CA399089882.